The following is an entry in ClinVar:

NM_004304.5(ALK):c.1694C>T (p.Ser565Phe)

Gene: ALK (ALK receptor tyrosine kinase; minus strand). Cytogenetic location: 2p23.2.
Variant type: single nucleotide variant.
Coding change: c.1694C>T on transcript NM_004304.5 (MANE Select); coding-DNA position 1694, C replaced by T.
Protein change: p.Ser565Phe; replaces serine 565 with phenylalanine.
Molecular consequence: missense variant.
Genome position (GRCh38, 1-based): chr2:29,297,011, G>A on the plus strand (C>T on the coding strand, the complement: ALK is on the minus strand). VCF-style: chr2-29297011-G-A. GRCh37 (hg19) VCF-style: chr2-29519877-G-A.
Other names: short protein forms S565F.
Identifiers: ClinVar variation 3855491 (VCV003855491.1).

ClinVar aggregate classification (germline): Uncertain significance (1 of 4 stars; one submission).

Conditions:
Hereditary cancer-predisposing syndrome. Also called: Hereditary neoplastic syndrome; Neoplastic Syndromes, Hereditary; Tumor predisposition; Hereditary Cancer Syndrome. Identifiers: Orphanet 140162, MedGen C0027672, MeSH D009386, MONDO:0015356.

Submission:

Ambry Genetics
Classification: Uncertain significance for Hereditary cancer-predisposing syndrome. Last evaluated: 2025-01-26. Review status: criteria provided, single submitter. Criteria: Ambry Variant Classification Scheme 2023. Collection method: clinical testing. Allele origin: germline.
Comment: The p.S565F variant (also known as c.1694C>T), located in coding exon 9 of the ALK gene, results from a C to T substitution at nucleotide position 1694. The serine at codon 565 is replaced by phenylalanine, an amino acid with highly dissimilar properties. This amino acid position is conserved. In addition, the in silico prediction for this alteration is inconclusive. Based on the available evidence, the clinical significance of this variant remains unclear.